The following is an entry in ClinVar:

NM_000059.4(BRCA2):c.5527G>C (p.Ala1843Pro)

Gene: BRCA2 (BRCA2 DNA repair associated; plus strand). Cytogenetic location: 13q13.1.
Variant type: single nucleotide variant.
Coding change: c.5527G>C on transcript NM_000059.4 (MANE Select); coding-DNA position 5527, G replaced by C.
Protein change: p.Ala1843Pro; replaces alanine 1843 with proline.
Molecular consequence: missense variant.
Genome position (GRCh38, 1-based): chr13:32,339,882, G>C. VCF-style: chr13-32339882-G-C. GRCh37 (hg19) VCF-style: chr13-32914019-G-C.
Other names: short protein forms A1843P.
Identifiers: ClinVar variation 926757 (VCV000926757.10), dbSNP rs863224594, ClinGen allele CA387785901.

ClinVar aggregate classification (germline): Conflicting classifications of pathogenicity. Review status: criteria provided, conflicting classifications (1 of 4 stars). 3 submissions from 3 submitters: Uncertain significance (2); Likely benign (1). Last evaluated 2024-07-23.

Conditions:
Hereditary cancer-predisposing syndrome. Also called: Neoplastic Syndromes, Hereditary; Tumor predisposition; Hereditary Cancer Syndrome; Hereditary neoplastic syndrome. Identifiers: Orphanet 140162, MedGen C0027672, MeSH D009386, MONDO:0015356.

Submissions (3):

Ambry Genetics
Classification: Uncertain significance for Hereditary cancer-predisposing syndrome. Last evaluated: 2024-07-23. Review status: criteria provided, single submitter. Criteria: Ambry Variant Classification Scheme 2023. Collection method: clinical testing. Allele origin: germline.
Comment: The p.A1843P variant (also known as c.5527G>C), located in coding exon 10 of the BRCA2 gene, results from a G to C substitution at nucleotide position 5527. The alanine at codon 1843 is replaced by proline, an amino acid with highly similar properties. This amino acid position is poorly conserved in available vertebrate species. In addition, the in silico prediction for this alteration is inconclusive. Since supporting evidence is limited at this time, the clinical significance of this alteration remains unclear.

Color Diagnostics, LLC DBA Color Health
Classification: Uncertain significance for Hereditary cancer-predisposing syndrome. Last evaluated: 2023-12-05. Review status: criteria provided, single submitter. Criteria: ACMG Guidelines, 2015. Collection method: clinical testing. Allele origin: germline.
Comment: This missense variant replaces alanine with proline at codon 1843 of the BRCA2 protein. Computational prediction tools and conservation analyses are inconclusive regarding the impact of this variant on protein structure and function. Splice site prediction tools suggest that this variant may not impact RNA splicing. To our knowledge, functional studies have not been performed for this variant. This variant has not been reported in individuals affected with hereditary cancer in the literature. This variant has not been identified in the general population by the Genome Aggregation Database (gnomAD). The available evidence is insufficient to determine the role of this variant in disease conclusively. Therefore, this variant is classified as a Variant of Uncertain Significance.

University of Washington Department of Laboratory Medicine, University of Washington
Classification: Likely benign for Hereditary cancer-predisposing syndrome. Last evaluated: 2023-03-23. Review status: criteria provided, single submitter. Criteria: Dines et al. (Genet Med. 2020). Collection method: curation. Allele origin: germline.
Comment: Missense variant in a coldspot region where missense variants are very unlikely to be pathogenic (PMID:31911673).

BRCA2 exon 11 coldspot. Reclassification based on statistical prior probability.